The following is an entry in ClinVar:

NM_182914.3(SYNE2):c.12254C>T (p.Ala4085Val)

Gene: SYNE2 (spectrin repeat containing nuclear envelope protein 2; plus strand). Cytogenetic location: 14q23.2.
Variant type: single nucleotide variant.
Coding change: c.12254C>T on transcript NM_182914.3 (MANE Select); coding-DNA position 12254, C replaced by T.
Protein change: p.Ala4085Val; replaces alanine 4085 with valine.
Molecular consequence: missense variant.
Genome position (GRCh38, 1-based): chr14:64,098,094, C>T. VCF-style: chr14-64098094-C-T. GRCh37 (hg19) VCF-style: chr14-64564812-C-T.
Other names: c.12254C>T, p.Ala4085Val (NM_015180.6); short protein forms A4085V.
Identifiers: ClinVar variation 1425384 (VCV001425384.8), dbSNP rs2153635686, ClinGen allele CA389952822.
Genomic context (GRCh38, chr14:64,098,094, plus strand): 5'-TAAACCTTCACCAGCATTTGAAGCAAGAACAAGAAGGAGTAGAAAGAGATAGGCTGCCAG[C>T]TGTAACATCAGAGGAAGGTGGAGTGGCAGAGAGGGATGCTTCTGAGCGGAAGGTGGGTAT-3'
Protein context (NP_878918.2, residues 4075-4095): QEGVERDRLP[Ala4085Val]VTSEEGGVAE

ClinVar aggregate classification (germline): Uncertain significance (1 of 4 stars; one submission).

Conditions:
Emery-Dreifuss muscular dystrophy 5, autosomal dominant (EDMD5). Also called: EMERY-DREIFUSS MUSCULAR DYSTROPHY 5. Identifiers: Orphanet 261, MedGen C2751805, MONDO:0013072, OMIM 612999.

Submission:

Labcorp Genetics (formerly Invitae), Labcorp
Classification: Uncertain significance for Emery-Dreifuss muscular dystrophy 5, autosomal dominant. Last evaluated: 2021-01-16. Review status: criteria provided, single submitter. Criteria: Invitae Variant Classification Sherloc (09022015). Collection method: clinical testing. Allele origin: germline.
Comment: This sequence change replaces alanine with valine at codon 4085 of the SYNE2 protein (p.Ala4085Val). The alanine residue is weakly conserved and there is a small physicochemical difference between alanine and valine. This variant is not present in population databases (ExAC no frequency). This variant has not been reported in the literature in individuals with SYNE2-related conditions. Algorithms developed to predict the effect of missense changes on protein structure and function output the following: SIFT: "Deleterious"; PolyPhen-2: "Benign"; Align-GVGD: "Class C0". The valine amino acid residue is found in multiple mammalian species, suggesting that this missense change does not adversely affect protein function. These predictions have not been confirmed by published functional studies and their clinical significance is uncertain. In summary, the available evidence is currently insufficient to determine the role of this variant in disease. Therefore, it has been classified as a Variant of Uncertain Significance.